The following is an entry in ClinVar:

NM_032119.4(ADGRV1):c.564G>T (p.Glu188Asp)

Gene: ADGRV1 (adhesion G protein-coupled receptor V1; plus strand). Cytogenetic location: 5q14.3.
Variant type: single nucleotide variant.
Coding change: c.564G>T on transcript NM_032119.4 (MANE Select); coding-DNA position 564, G replaced by T.
Protein change: p.Glu188Asp; replaces glutamic acid 188 with aspartic acid.
Molecular consequence: missense variant. On other transcripts: non-coding transcript variant (1).
Genome position (GRCh38, 1-based): chr5:90,625,135, G>T. VCF-style: chr5-90625135-G-T. GRCh37 (hg19) VCF-style: chr5-89920952-G-T.
Other names: short protein forms E188D.
Identifiers: ClinVar variation 667559 (VCV000667559.14), dbSNP rs377529304, ClinGen allele CA3338506.

ClinVar aggregate classification (germline): Conflicting classifications of pathogenicity. Review status: criteria provided, conflicting classifications (1 of 4 stars). 6 submissions from 6 submitters: Uncertain significance (2); Likely benign (4). Last evaluated 2026-01-27.

Conditions:
ADGRV1-related disorder. Also called: ADGRV1-related disorders; ADGRV1-related condition.
Inborn genetic diseases. Identifiers: MedGen C0950123, MeSH D030342.

Allele frequency attached by ClinVar (database versions not stated): gnomAD exomes 0.00010; 1000 Genomes Project 30x 0.00016; ExAC 0.00018; 1000 Genomes Project 0.00020; ESP Exome Variant Server 0.00025; TOPMed 0.00042.
gnomAD v4.1: 111 of 1,604,198 alleles (0.0069%); highest among the groups gnomAD compares: African/African-American, 0.13%; no homozygotes.

Submissions (6):

Labcorp Genetics (formerly Invitae), Labcorp
Classification: Likely benign. Last evaluated: 2026-01-27. Review status: criteria provided, single submitter. Criteria: Invitae Variant Classification Sherloc (09022015). Collection method: clinical testing. Allele origin: germline.

Women's Health and Genetics/Laboratory Corporation of America, LabCorp
Classification: Uncertain significance. Last evaluated: 2026-01-16. Review status: criteria provided, single submitter. Criteria: LabCorp Variant Classification Summary - May 2015. Collection method: clinical testing. Allele origin: germline.
Comment: Variant summary: ADGRV1 c.564G>T (p.Glu188Asp) results in a conservative amino acid change in the encoded protein sequence. Algorithms developed to predict the effect of missense changes on protein structure and function all suggest that this variant is likely to be tolerated. The variant allele was found at a frequency of 9.8e-05 in 245616 control chromosomes. This frequency is not significantly higher than estimated for disease-causing variants in ADGRV1, allowing no conclusion about variant significance. To our knowledge, no occurrence of c.564G>T in individuals affected with ADGRV1-related conditions and no experimental evidence demonstrating its impact on protein function have been reported. ClinVar contains an entry for this variant (Variation ID: 667559). Based on the evidence outlined above, the variant was classified as uncertain significance.

PreventionGenetics, part of Exact Sciences
Classification: Likely benign for ADGRV1-related condition. Last evaluated: 2024-11-17. Review status: criteria provided, single submitter. Criteria: ACMG Guidelines, 2015. Collection method: clinical testing. Allele origin: germline.
Comment: This variant is classified as likely benign based on ACMG/AMP sequence variant interpretation guidelines (Richards et al. 2015 PMID: 25741868, with internal and published modifications).

Blueprint Genetics
Classification: Likely benign. Last evaluated: 2024-02-14. Review status: criteria provided, single submitter. Criteria: ACMG Guidelines, 2015. Collection method: clinical testing. Allele origin: germline.

Ambry Genetics
Classification: Uncertain significance for Inborn genetic diseases. Last evaluated: 2021-08-17. Review status: criteria provided, single submitter. Criteria: Ambry Variant Classification Scheme 2023. Collection method: clinical testing. Allele origin: germline.

GeneDx
Classification: Likely benign. Last evaluated: 2018-05-12. Review status: criteria provided, single submitter. Criteria: GeneDx Variant Classification (06012015). Collection method: clinical testing. Allele origin: germline. Affected: yes.
Comment: This variant is considered likely benign or benign based on one or more of the following criteria: it is a conservative change, it occurs at a poorly conserved position in the protein, it is predicted to be benign by multiple in silico algorithms, and/or has population frequency not consistent with disease.